The following is an entry in ClinVar:

ClinVar aggregate classification (germline): Uncertain significance (1 of 4 stars; one submission).

Conditions:
Hereditary cancer-predisposing syndrome. Also called: Neoplastic Syndromes, Hereditary; Tumor predisposition; Hereditary Cancer Syndrome; Hereditary neoplastic syndrome. Identifiers: Orphanet 140162, MedGen C0027672, MeSH D009386, MONDO:0015356.

Submission:

Ambry Genetics
Classification: Uncertain significance for Hereditary cancer-predisposing syndrome. Last evaluated: 2025-08-25. Review status: criteria provided, single submitter. Criteria: Ambry Variant Classification Scheme 2023. Collection method: clinical testing. Allele origin: germline.
Comment: The p.E1047G variant (also known as c.3140A>G), located in coding exon 15 of the BLM gene, results from an A to G substitution at nucleotide position 3140. The glutamic acid at codon 1047 is replaced by glycine, an amino acid with similar properties. This amino acid position is conserved. In addition, this alteration is predicted to be deleterious by in silico analysis. Based on the available evidence, the clinical significance of this variant remains unclear.

NM_000057.4(BLM):c.3140A>G (p.Glu1047Gly)

Gene: BLM (BLM RecQ like helicase; plus strand). Cytogenetic location: 15q26.1.
Variant type: single nucleotide variant.
Coding change: c.3140A>G on transcript NM_000057.4 (MANE Select); coding-DNA position 3140, A replaced by G.
Protein change: p.Glu1047Gly; replaces glutamic acid 1047 with glycine.
Molecular consequence: missense variant.
Genome position (GRCh38, 1-based): chr15:90,794,287, A>G. VCF-style: chr15-90794287-A-G. GRCh37 (hg19) VCF-style: chr15-91337517-A-G.
Other names: c.3140A>G, p.Glu1047Gly (NM_001287246.2, NM_001287247.2); c.2015A>G, p.Glu672Gly (NM_001287248.2); short protein forms E1047G, E672G.
Identifiers: ClinVar variation 4212090 (VCV004212090.1).